The following is an entry in ClinVar:

NM_001080414.4(CCDC88C):c.2845G>A (p.Asp949Asn)

Gene: CCDC88C (coiled-coil and HOOK domain protein 88C; minus strand). Cytogenetic location: 14q32.11.
Variant type: single nucleotide variant.
Coding change: c.2845G>A on transcript NM_001080414.4 (MANE Select); coding-DNA position 2845, G replaced by A.
Protein change: p.Asp949Asn; replaces aspartic acid 949 with asparagine.
Molecular consequence: missense variant.
Genome position (GRCh38, 1-based): chr14:91,309,878, C>T on the plus strand (G>A on the coding strand, the complement: CCDC88C is on the minus strand). VCF-style: chr14-91309878-C-T. GRCh37 (hg19) VCF-style: chr14-91776222-C-T.
Other names: short protein forms D949N.
Identifiers: ClinVar variation 2094776 (VCV002094776.5), dbSNP rs2544377228, ClinGen allele CA390627678.

ClinVar aggregate classification (germline): Uncertain significance. Review status: criteria provided, multiple submitters, no conflicts (2 of 4 stars). 2 submissions from 2 submitters: Uncertain significance (2). Last evaluated 2022-12-28.

Conditions:
Spinocerebellar ataxia type 40. Identifiers: Orphanet 423275, MedGen C4518336, MONDO:0014475, OMIM 616053.

Submissions (2):

Baylor Genetics
Classification: Uncertain significance for Spinocerebellar ataxia type 40. Last evaluated: 2022-12-28. Review status: criteria provided, single submitter. Criteria: ACMG Guidelines, 2015. Collection method: clinical testing. Allele origin: unknown.

Labcorp Genetics (formerly Invitae), Labcorp
Classification: Uncertain significance. Last evaluated: 2022-02-08. Review status: criteria provided, single submitter. Criteria: Invitae Variant Classification Sherloc (09022015). Collection method: clinical testing. Allele origin: germline.
Comment: This missense change has been observed in individual(s) with CCDC88C-related conditions (Invitae). In summary, the available evidence is currently insufficient to determine the role of this variant in disease. Therefore, it has been classified as a Variant of Uncertain Significance. Algorithms developed to predict the effect of missense changes on protein structure and function output the following: SIFT: "Deleterious"; PolyPhen-2: "Benign"; Align-GVGD: "Class C0". The asparagine amino acid residue is found in multiple mammalian species, which suggests that this missense change does not adversely affect protein function. This variant is not present in population databases (gnomAD no frequency). This sequence change replaces aspartic acid, which is acidic and polar, with asparagine, which is neutral and polar, at codon 949 of the CCDC88C protein (p.Asp949Asn).